The following is an entry in ClinVar:

ClinVar aggregate classification (germline): Conflicting classifications of pathogenicity. Review status: criteria provided, conflicting classifications (1 of 4 stars). 2 submissions from 2 submitters: Uncertain significance (1); Likely benign (1). Last evaluated 2022-04-09.

Conditions:
Neuroblastoma, susceptibility to, 3. Also called: ALK-Related Neuroblastic Tumor Susceptibility. Identifiers: Orphanet 635, MedGen C2751681, MONDO:0013083, OMIM 613014.
Hereditary cancer-predisposing syndrome. Also called: Neoplastic Syndromes, Hereditary; Hereditary Cancer Syndrome; Tumor predisposition; Hereditary neoplastic syndrome. Identifiers: Orphanet 140162, MedGen C0027672, MeSH D009386, MONDO:0015356.

Submissions (2):

Ambry Genetics
Classification: Likely benign for Hereditary cancer-predisposing syndrome. Last evaluated: 2022-04-09. Review status: criteria provided, single submitter. Criteria: Ambry Variant Classification Scheme 2023. Collection method: clinical testing. Allele origin: germline.

Labcorp Genetics (formerly Invitae), Labcorp
Classification: Uncertain significance for Neuroblastoma, susceptibility to, 3. Last evaluated: 2021-10-15. Review status: criteria provided, single submitter. Criteria: Invitae Variant Classification Sherloc (09022015). Collection method: clinical testing. Allele origin: germline.
Comment: This sequence change affects codon 1120 of the ALK mRNA. It is a 'silent' change, meaning that it does not change the encoded amino acid sequence of the ALK protein. It affects a nucleotide within the consensus splice site. This variant is not present in population databases (ExAC no frequency). This variant has not been reported in the literature in individuals affected with ALK-related conditions. Algorithms developed to predict the effect of sequence changes on RNA splicing suggest that this variant may create or strengthen a splice site. In summary, the available evidence is currently insufficient to determine the role of this variant in disease. Therefore, it has been classified as a Variant of Uncertain Significance.

NM_004304.5(ALK):c.3358C>A (p.Arg1120=)

Gene: ALK (ALK receptor tyrosine kinase; minus strand). Cytogenetic location: 2p23.2.
Variant type: single nucleotide variant.
Coding change: c.3358C>A on transcript NM_004304.5 (MANE Select); coding-DNA position 3358, C replaced by A.
Protein change: p.Arg1120=; no amino-acid change (arginine 1120 retained).
Molecular consequence: synonymous variant.
Genome position (GRCh38, 1-based): chr2:29,223,343, G>T on the plus strand (C>A on the coding strand, the complement: ALK is on the minus strand). VCF-style: chr2-29223343-G-T. GRCh37 (hg19) VCF-style: chr2-29446209-G-T.
Other names: c.154C>A, p.Arg52= (NM_001353765.2).
Identifiers: ClinVar variation 1464006 (VCV001464006.8), dbSNP rs774951734, ClinGen allele CA425435000.